The following is an entry in ClinVar:

NM_020921.4(NIN):c.1930G>A (p.Val644Met)

Genes: NIN (ninein; minus strand), LOC130055602 (ATAC-STARR-seq lymphoblastoid active region 8362; plus strand). Cytogenetic location: 14q22.1.
Variant type: single nucleotide variant.
Coding change: c.1930G>A on transcript NM_020921.4 (MANE Select); coding-DNA position 1930, G replaced by A.
Protein change: p.Val644Met; replaces valine 644 with methionine.
Molecular consequence: missense variant.
Genome position (GRCh38, 1-based): chr14:50,760,326, C>T on the plus strand (G>A on the coding strand, the complement: NIN is on the minus strand). VCF-style: chr14-50760326-C-T. GRCh37 (hg19) VCF-style: chr14-51227044-C-T.
Other names: c.1930G>A, p.Val644Met (NM_016350.5, NM_182944.3, NM_182946.2); c.1930G>A (NM_020921.3); short protein forms V644M.
Identifiers: ClinVar variation 1359419 (VCV001359419.7), dbSNP rs141568087, ClinGen allele CA7182034.

ClinVar aggregate classification (germline): Uncertain significance. Review status: criteria provided, multiple submitters, no conflicts (2 of 4 stars). 2 submissions from 2 submitters: Uncertain significance (2). Last evaluated 2025-10-22.

Allele frequency attached by ClinVar (database versions not stated): gnomAD exomes 0.00009 and 0.00020; ExAC 0.00027; ESP Exome Variant Server 0.00054; gnomAD 0.00054 and 0.00056; TOPMed 0.00056; 1000 Genomes Project 30x 0.00062; 1000 Genomes Project 0.00080.
gnomAD v4.1: 230 of 1,606,684 alleles (0.014%); highest among the groups gnomAD compares: African/African-American, 0.19%; 2 homozygotes.

Submissions (2):

Labcorp Genetics (formerly Invitae), Labcorp
Classification: Uncertain significance. Last evaluated: 2025-10-22. Review status: criteria provided, single submitter. Criteria: Invitae Variant Classification Sherloc (09022015). Collection method: clinical testing. Allele origin: germline.
Comment: This sequence change replaces valine, which is neutral and non-polar, with methionine, which is neutral and non-polar, at codon 644 of the NIN protein (p.Val644Met). This variant is present in population databases (rs141568087, gnomAD 0.1%), and has an allele count higher than expected for a pathogenic variant. This variant has not been reported in the literature in individuals affected with NIN-related conditions. ClinVar contains an entry for this variant (Variation ID: 1359419). An algorithm developed to predict the effect of missense changes on protein structure and function (PolyPhen-2) suggests that this variant is likely to be tolerated. In summary, the available evidence is currently insufficient to determine the role of this variant in disease. Therefore, it has been classified as a Variant of Uncertain Significance.

Ambry Genetics
Classification: Uncertain significance. Last evaluated: 2025-09-10. Review status: criteria provided, single submitter. Criteria: Ambry Variant Classification Scheme 2023. Collection method: clinical testing. Allele origin: germline.